The following is an entry in ClinVar:

ClinVar aggregate classification (germline): Likely benign (1 of 4 stars; one submission).

gnomAD v4.1: 100 of 1,613,980 alleles (0.0062%); highest among the groups gnomAD compares: Non-Finnish European, 0.0077%; 1 homozygote.

Submission:

CeGaT Center for Human Genetics Tuebingen
Classification: Likely benign. Last evaluated: 2026-01-01. Review status: criteria provided, single submitter. Criteria: CeGaT Center For Human Genetics Tuebingen Variant Classification Criteria Version 2. Collection method: clinical testing. Allele origin: germline. Affected: yes. Observed: 1 variant allele.
Comment: CHD3: BP4

NM_001005273.3(CHD3):c.8C>A (p.Ala3Glu)

Gene: CHD3 (chromodomain helicase DNA binding protein 3; plus strand). Cytogenetic location: 17p13.1.
Variant type: single nucleotide variant.
Coding change: c.8C>A on transcript NM_001005273.3 (MANE Select); coding-DNA position 8, C replaced by A.
Protein change: p.Ala3Glu; replaces alanine 3 with glutamic acid.
Molecular consequence: missense variant. On other transcripts: intron variant (5).
Genome position (GRCh38, 1-based): chr17:7,889,008, C>A. VCF-style: chr17-7889008-C-A. GRCh37 (hg19) VCF-style: chr17-7792326-C-A.
Other names: c.8C>A, p.Ala3Glu (NM_005852.4); c.278-656C>A (NM_001437504.1, NM_001005271.3, NM_001437509.1 and 2 more transcripts); short protein forms A3E.
Identifiers: ClinVar variation 4823884 (VCV004823884.4).